The following is an entry in ClinVar:

NM_001378454.1(ALMS1):c.8426A>C (p.Glu2809Ala)

Gene: ALMS1 (ALMS1 centrosome and basal body associated protein; plus strand). Cytogenetic location: 2p13.1.
Variant type: single nucleotide variant.
Coding change: c.8426A>C on transcript NM_001378454.1 (MANE Select); coding-DNA position 8426, A replaced by C.
Protein change: p.Glu2809Ala; replaces glutamic acid 2809 with alanine.
Molecular consequence: missense variant.
Genome position (GRCh38, 1-based): chr2:73,490,385, A>C. VCF-style: chr2-73490385-A-C. GRCh37 (hg19) VCF-style: chr2-73717512-A-C.
Other names: c.8429A>C, p.Glu2810Ala (NM_015120.4); short protein forms E2809A, E2810A.
Identifiers: ClinVar variation 2831260 (VCV002831260.3), dbSNP rs2466215710, ClinGen allele CA347268831.

ClinVar aggregate classification (germline): Uncertain significance (1 of 4 stars; one submission).

Conditions:
Alstrom syndrome (ALMS). Identifiers: Orphanet 64, MedGen C0268425, MONDO:0008763, OMIM 203800.

Submission:

Labcorp Genetics (formerly Invitae), Labcorp
Classification: Uncertain significance for Alstrom syndrome. Last evaluated: 2023-01-23. Review status: criteria provided, single submitter. Criteria: Invitae Variant Classification Sherloc (09022015). Collection method: clinical testing. Allele origin: germline.
Comment: In summary, the available evidence is currently insufficient to determine the role of this variant in disease. Therefore, it has been classified as a Variant of Uncertain Significance. Experimental studies and prediction algorithms are not available or were not evaluated, and the functional significance of this variant is currently unknown. This variant has not been reported in the literature in individuals affected with ALMS1-related conditions. This variant is not present in population databases (gnomAD no frequency). This sequence change replaces glutamic acid, which is acidic and polar, with alanine, which is neutral and non-polar, at codon 2810 of the ALMS1 protein (p.Glu2810Ala).